The following is an entry in ClinVar:

ClinVar aggregate classification (germline): Conflicting classifications of pathogenicity. Review status: criteria provided, conflicting classifications (1 of 4 stars). 8 submissions from 8 submitters: Uncertain significance (3); Likely benign (4). 1 of the submissions does not count toward it. Last evaluated 2026-01-28.

Conditions:
Progressive sclerosing poliodystrophy (MTDPS4A). Also called: Mitochondrial DNA Depletion Syndrome 4A; Mitochondrial DNA depletion syndrome 4A (Alpers type); ALPERS DIFFUSE DEGENERATION OF CEREBRAL GRAY MATTER WITH HEPATIC CIRRHOSIS; NEURONAL DEGENERATION OF CHILDHOOD WITH LIVER DISEASE, PROGRESSIVE; Alpers-Huttenlocher Syndrome; Alpers-Huttenlocher Syndrome (AHS). Identifiers: Orphanet 726, MedGen C0205710, MONDO:0008758, OMIM 203700.
POLG-related disorder. Also called: POLG-related condition; POLG-Related Disorders; POLG-Related Spectrum Disorders. Identifiers: MedGen C4763519.

Allele frequency attached by ClinVar (database versions not stated): gnomAD exomes 0.00006; ExAC 0.00007; ESP Exome Variant Server 0.00015; gnomAD 0.00015 and 0.00016; TOPMed 0.00018; 1000 Genomes Project 0.00040; 1000 Genomes Project 30x 0.00047.
gnomAD v4.1: 121 of 1,614,190 alleles (0.0075%); highest among the groups gnomAD compares: African/African-American, 0.055%; no homozygotes.

Submissions (8):

Labcorp Genetics (formerly Invitae), Labcorp
Classification: Likely benign for Progressive sclerosing poliodystrophy. Last evaluated: 2026-01-28. Review status: criteria provided, single submitter. Criteria: Invitae Variant Classification Sherloc (09022015). Collection method: clinical testing. Allele origin: germline.

CeGaT Center for Human Genetics Tuebingen
Classification: Likely benign. Last evaluated: 2025-07-01. Review status: criteria provided, single submitter. Criteria: CeGaT Center For Human Genetics Tuebingen Variant Classification Criteria Version 2. Collection method: clinical testing. Allele origin: germline. Affected: yes. Observed: 3 variant alleles.
Comment: POLG: BP4, BP7

Blueprint Genetics
Classification: Likely benign. Last evaluated: 2024-08-28. Review status: criteria provided, single submitter. Criteria: ACMG Guidelines, 2015. Collection method: clinical testing. Allele origin: germline.

GeneDx
Classification: Likely benign. Last evaluated: 2021-01-18. Review status: criteria provided, single submitter. Criteria: GeneDx Variant Classification Process June 2021. Collection method: clinical testing. Allele origin: germline. Affected: yes.

Athena Diagnostics
Classification: Uncertain significance. Last evaluated: 2019-08-16. Review status: criteria provided, single submitter. Criteria: Athena Diagnostics Criteria. Collection method: clinical testing. Allele origin: germline.

Eurofins Ntd Llc (ga)
Classification: Uncertain significance. Last evaluated: 2018-07-16. Review status: criteria provided, single submitter. Criteria: EGL ClinVar v180209 classification definitions. Collection method: clinical testing. Allele origin: germline. Observed: 1 variant allele, 1 heterozygote.

Illumina Laboratory Services, Illumina
Classification: Uncertain significance for POLG-Related Spectrum Disorders. Last evaluated: 2017-09-14. Review status: criteria provided, single submitter. Criteria: ICSL Variant Classification Criteria 13 December 2019. Collection method: clinical testing. Allele origin: germline.
Comment: This variant was observed as part of a predisposition screen in an ostensibly healthy population. A literature search was performed for the gene, cDNA change, and amino acid change (where applicable). Publications were found based on this search. However, the evidence from the literature, in combination with allele frequency data from public databases where available, was not sufficient to rule this variant in or out of causing disease. Therefore, this variant is classified as a variant of unknown significance.

PreventionGenetics, part of Exact Sciences
Classification: Likely benign for POLG-related condition. Last evaluated: 2019-08-13. Review status: no assertion criteria provided. Collection method: clinical testing. Allele origin: germline. Not counted in ClinVar's aggregate classification.
Comment: This variant is classified as likely benign based on ACMG/AMP sequence variant interpretation guidelines (Richards et al. 2015 PMID: 25741868, with internal and published modifications).

Literature cited by the submitters: PubMed 25771874 (cited by Illumina Laboratory Services, Illumina).

NM_002693.3(POLG):c.1356T>C (p.Tyr452=)

Gene: POLG (DNA polymerase gamma, catalytic subunit; minus strand). Cytogenetic location: 15q26.1.
Variant type: single nucleotide variant.
Coding change: c.1356T>C on transcript NM_002693.3 (MANE Select); coding-DNA position 1356, T replaced by C.
Protein change: p.Tyr452=; no amino-acid change (tyrosine 452 retained).
Molecular consequence: synonymous variant.
Genome position (GRCh38, 1-based): chr15:89,327,244, A>G on the plus strand (T>C on the coding strand, the complement: POLG is on the minus strand). VCF-style: chr15-89327244-A-G. GRCh37 (hg19) VCF-style: chr15-89870475-A-G.
Other names: c.1356T>C, p.Tyr452= (NM_001126131.2).
Identifiers: ClinVar variation 380697 (VCV000380697.50), dbSNP rs3176179, ClinGen allele CA7724873.